The following is an entry in ClinVar:

NM_000540.3(RYR1):c.8859G>A (p.Lys2953=)

Gene: RYR1 (ryanodine receptor 1; plus strand). Cytogenetic location: 19q13.2.
Variant type: single nucleotide variant.
Coding change: c.8859G>A on transcript NM_000540.3 (MANE Select); coding-DNA position 8859, G replaced by A.
Protein change: p.Lys2953=; no amino-acid change (lysine 2953 retained).
Molecular consequence: synonymous variant.
Genome position (GRCh38, 1-based): chr19:38,507,754, G>A. VCF-style: chr19-38507754-G-A. GRCh37 (hg19) VCF-style: chr19-38998394-G-A.
Other names: c.8859G>A, p.Lys2953= (NM_001042723.2).
Identifiers: ClinVar variation 2889826 (VCV002889826.4), dbSNP rs762775035, ClinGen allele CA072861.

ClinVar aggregate classification (germline): Conflicting classifications of pathogenicity. Review status: criteria provided, conflicting classifications (1 of 4 stars). 2 submissions from 2 submitters: Uncertain significance (1); Likely benign (1). Last evaluated 2023-12-21.

Conditions:
RYR1-related disorder. Also called: RYR1-related disorders; RYR1-related condition. Identifiers: MedGen CN239331.
Malignant hyperthermia, susceptibility to, 1 (MHS1). Also called: Anesthesia related hyperthermia; Malignant hyperpyrexia; Fulminating hyperpyrexia; Pharmacogenic myopathy; RYR1-Related Malignant Hyperthermia Susceptibility; Malignant hyperthermia suceptibility 1. Identifiers: Orphanet 423, MedGen C2930980, MONDO:0007783, OMIM 145600.

Allele frequency attached by ClinVar (database versions not stated): TOPMed below 0.00001; ExAC 0.00001.
gnomAD v4.1: 2 of 1,613,952 alleles (0.00012%); highest among the groups gnomAD compares: Non-Finnish European, 0.00017%; no homozygotes.

Submissions (2):

Labcorp Genetics (formerly Invitae), Labcorp
Classification: Likely benign for RYR1-related disorder. Last evaluated: 2023-12-21. Review status: criteria provided, single submitter. Criteria: Invitae Variant Classification Sherloc (09022015). Collection method: clinical testing. Allele origin: germline.

All of Us Research Program, National Institutes of Health
Classification: Uncertain significance for Malignant hyperthermia, susceptibility to, 1. Last evaluated: 2023-11-07. Review status: criteria provided, single submitter. Criteria: ACMG Guidelines, 2015. Collection method: clinical testing. Allele origin: germline. Inheritance: Autosomal dominant inheritance. Observed: 2 variant alleles, 2 heterozygotes.
Comment: This variant is located in the RYR1 protein. To our knowledge, functional studies have not been reported for this variant. This variant has not been reported in individuals affected with RYR1-related disorders in the literature. This variant has been identified in 1/251486 chromosomes in the general population by the Genome Aggregation Database (gnomAD). The available evidence is insufficient to determine the role of this variant in disease conclusively. Therefore, this variant is classified as a Variant of Uncertain Significance.

This study involves interpretation of variants in research participants for the purpose of population health screening. Participant phenotype was not available at the time of variant classification. Additional details can be found in publication PMID: 35346344, PMCID: PMC8962531